The following is an entry in ClinVar:

ClinVar aggregate classification (germline): Uncertain significance (1 of 4 stars; one submission).

Conditions:
ZNF469-related disorder. Also called: ZNF469-related condition.

gnomAD v4.1: 30 of 1,550,426 alleles (0.0019%); highest among the groups gnomAD compares: Non-Finnish European, 0.0016%; no homozygotes.

Submission:

PreventionGenetics, part of Exact Sciences
Classification: Uncertain significance for ZNF469-related condition. Last evaluated: 2024-12-10. Review status: criteria provided, single submitter. Criteria: ACMG Guidelines, 2015. Collection method: clinical testing. Allele origin: germline.
Comment: The ZNF469 c.5926G>A variant is predicted to result in the amino acid substitution p.Glu1976Lys. To our knowledge, this variant has not been reported in the literature or in a large population database (gnomAD), indicating this variant is rare. At this time, the clinical significance of this variant is uncertain due to the absence of conclusive functional and genetic evidence.

NM_001367624.2(ZNF469):c.6010G>A (p.Glu2004Lys)

Gene: ZNF469 (zinc finger protein 469; plus strand). Cytogenetic location: 16q24.2.
Variant type: single nucleotide variant.
Coding change: c.6010G>A on transcript NM_001367624.2 (MANE Select); coding-DNA position 6010, G replaced by A.
Protein change: p.Glu2004Lys; replaces glutamic acid 2004 with lysine.
Molecular consequence: missense variant.
Genome position (GRCh38, 1-based): chr16:88,433,480, G>A. VCF-style: chr16-88433480-G-A. GRCh37 (hg19) VCF-style: chr16-88499888-G-A.
Other names: NM_001127464.2:c.5926G>A; short protein forms E2004K.
Identifiers: ClinVar variation 4982664 (VCV004982664.1).
Genomic context (GRCh38, chr16:88,433,480, plus strand): 5'-GGCTTGCTTGGCCAAGCCGAGAAAACCCAGGGCCAAGGCACAGCCAACCAGCTTCAGCCA[G>A]AGAACGGGGTGAGCCCAGGGGGCACGGACAACCACGCCTCAGTCAATGCCAGTCCCAAAA-3'
Protein context (NP_001354553.1, residues 1994-2014): GQGTANQLQP[Glu2004Lys]NGVSPGGTDN